The following is an entry in ClinVar:

ClinVar aggregate classification (germline): Likely pathogenic. Review status: criteria provided, multiple submitters, no conflicts (2 of 4 stars). 5 submissions from 5 submitters: Likely pathogenic (4). 1 of the submissions does not count toward it. Last evaluated 2025-12-16.

Conditions:
Ataxia-telangiectasia-like disorder (ATLD). Identifiers: MedGen C1858391, MONDO:0011457.
Hereditary cancer-predisposing syndrome. Also called: Neoplastic Syndromes, Hereditary; Tumor predisposition; Hereditary Cancer Syndrome; Hereditary neoplastic syndrome. Identifiers: Orphanet 140162, MedGen C0027672, MeSH D009386, MONDO:0015356.
Ataxia-telangiectasia-like disorder 1 (ATLD1). Identifiers: Orphanet 251347, MedGen C4012790, MONDO:0024557, OMIM 604391.

Allele frequency attached by ClinVar (database versions not stated): TOPMed below 0.00001.
gnomAD v4.1: 2 of 1,613,506 alleles (0.00012%); highest among the groups gnomAD compares: East Asian, 0.0045%; no homozygotes.

Submissions (5):

Women's Health and Genetics/Laboratory Corporation of America, LabCorp
Classification: Likely pathogenic for Ataxia-telangiectasia-like disorder. Last evaluated: 2025-12-16. Review status: criteria provided, single submitter. Criteria: LabCorp Variant Classification Summary - May 2015. Collection method: clinical testing. Allele origin: germline.
Comment: Variant summary: MRE11 c.1927-1G>T is located in a canonical splice-site and is predicted to affect mRNA splicing resulting in a significantly altered protein due to either exon skipping, shortening, or inclusion of intronic material. Variants that disrupt the consensus splice site are a relatively common cause of aberrant splicing and loss of MRE11 function. Several computational tools predict a significant impact on normal splicing: Four predict the variant abolishes a 3' acceptor site. However, these predictions have yet to be confirmed by functional studies. The variant was absent in 251036 control chromosomes. c.1927-1G>T has been observed in individuals affected with Lung Cancer (Peng_2022, Wang_2022) and Colorectal Cancer (Yao_2022, Yang_2023, Li_2025). To our knowledge, no experimental evidence demonstrating an impact on protein function has been reported. The following publications have been ascertained in the context of this evaluation (PMID: 40118241, 35273153, 36113475, 38023196, 35014770). ClinVar contains an entry for this variant (Variation ID: 481761). Based on the evidence outlined above, the variant was classified as likely pathogenic for Ataxia Telangiectasia-Like Disorder.

Labcorp Genetics (formerly Invitae), Labcorp
Classification: Likely pathogenic for Ataxia-telangiectasia-like disorder. Last evaluated: 2025-08-06. Review status: criteria provided, single submitter. Criteria: Invitae Variant Classification Sherloc (09022015). Collection method: clinical testing. Allele origin: germline.
Comment: This sequence change affects an acceptor splice site in intron 17 of the MRE11 gene. It is expected to disrupt RNA splicing. Variants that disrupt the donor or acceptor splice site typically lead to a loss of protein function (PMID: 16199547), and loss-of-function variants in MRE11 are known to be pathogenic (PMID: 23080121, 23912341). This variant is not present in population databases (gnomAD no frequency). Disruption of this splice site has been observed in individual(s) with lung cancer (PMID: 36113475). ClinVar contains an entry for this variant (Variation ID: 481761). Algorithms developed to predict the effect of sequence changes on RNA splicing suggest that this variant may disrupt the consensus splice site. In summary, the currently available evidence indicates that the variant is pathogenic, but additional data are needed to prove that conclusively. Therefore, this variant has been classified as Likely Pathogenic.

Baylor Genetics
Classification: Likely pathogenic for Ataxia-telangiectasia-like disorder 1. Last evaluated: 2023-10-25. Review status: criteria provided, single submitter. Criteria: ACMG Guidelines, 2015. Collection method: clinical testing. Allele origin: unknown.

Ambry Genetics
Classification: Likely pathogenic for Hereditary cancer-predisposing syndrome. Last evaluated: 2023-10-16. Review status: criteria provided, single submitter. Criteria: Ambry Variant Classification Scheme 2023. Collection method: clinical testing. Allele origin: germline.
Comment: The c.1927-1G>T intronic variant results from a G to T substitution one nucleotide upstream from coding exon 17 of the MRE11A gene. This variant was reported in 5/60,466 breast cancer cases and in 0/53,461 controls (Dorling et al. N Engl J Med 2021 02;384:428-439). This variant is considered to be rare based on population cohorts in the Genome Aggregation Database (gnomAD). This nucleotide position is highly conserved in available vertebrate species. In silico splice site analysis predicts that this alteration will weaken the native splice acceptor site and will result in the creation or strengthening of a novel splice acceptor site. Alterations that disrupt the canonical splice site are expected to cause aberrant splicing, resulting in an abnormal protein or a transcript that is subject to nonsense-mediated mRNA decay. As such, this alteration is classified as likely pathogenic.

Counsyl
Classification: Likely pathogenic for Ataxia-telangiectasia-like disorder 1. Last evaluated: 2017-11-29. Review status: no assertion criteria provided. Collection method: clinical testing. Allele origin: unknown. Not counted in ClinVar's aggregate classification.

Literature cited by the submitters: PubMed 36113475 (cited by Women's Health and Genetics/Laboratory Corporation of America, LabCorp and Labcorp Genetics (formerly Invitae), Labcorp); PubMed 40118241 (cited by Women's Health and Genetics/Laboratory Corporation of America, LabCorp); PubMed 35014770 (cited by Women's Health and Genetics/Laboratory Corporation of America, LabCorp); PubMed 35273153 (cited by Women's Health and Genetics/Laboratory Corporation of America, LabCorp and Ambry Genetics); PubMed 38023196 (cited by Women's Health and Genetics/Laboratory Corporation of America, LabCorp); PubMed 16199547 (cited by Labcorp Genetics (formerly Invitae), Labcorp); PubMed 23080121 (cited by Labcorp Genetics (formerly Invitae), Labcorp); PubMed 23912341 (cited by Labcorp Genetics (formerly Invitae), Labcorp); PubMed 33471991 (cited by Ambry Genetics).

NM_005591.4(MRE11):c.1927-1G>T

Gene: MRE11 (MRE11 double strand break repair nuclease; minus strand). Cytogenetic location: 11q21.
Variant type: single nucleotide variant.
Coding change: c.1927-1G>T on transcript NM_005591.4 (MANE Select); the canonical splice acceptor site of the intron before coding-DNA position 1927, G replaced by T.
Molecular consequence: splice acceptor variant.
Genome position (GRCh38, 1-based): chr11:94,435,900, C>A on the plus strand (G>T on the coding strand, the complement: MRE11 is on the minus strand). VCF-style: chr11-94435900-C-A. GRCh37 (hg19) VCF-style: chr11-94169066-C-A.
Other names: c.1924-1G>T (NM_001330347.2); c.1843-1G>T (NM_005590.4).
Identifiers: ClinVar variation 481761 (VCV000481761.16), dbSNP rs1295485913, ClinGen allele CA382374166.